The following is an entry in ClinVar:

ClinVar aggregate classification (germline): Uncertain significance (1 of 4 stars; one submission).

Conditions:
Hereditary cancer-predisposing syndrome. Also called: Tumor predisposition; Hereditary neoplastic syndrome; Hereditary Cancer Syndrome; Neoplastic Syndromes, Hereditary. Identifiers: Orphanet 140162, MedGen C0027672, MeSH D009386, MONDO:0015356.

Submission:

Ambry Genetics
Classification: Uncertain significance for Hereditary cancer-predisposing syndrome. Last evaluated: 2025-03-18. Review status: criteria provided, single submitter. Criteria: Ambry Variant Classification Scheme 2023. Collection method: clinical testing. Allele origin: germline.
Comment: The p.A151T variant (also known as c.451G>A), located in coding exon 6 of the SMARCE1 gene, results from a G to A substitution at nucleotide position 451. The alanine at codon 151 is replaced by threonine, an amino acid with similar properties. This amino acid position is conserved. In addition, this alteration is predicted to be tolerated by in silico analysis. Based on the available evidence, the clinical significance of this variant remains unclear.

NM_003079.5(SMARCE1):c.451G>A (p.Ala151Thr)

Gene: SMARCE1 (SWI/SNF related BAF chromatin remodeling complex subunit E1; minus strand). Cytogenetic location: 17q21.2.
Variant type: single nucleotide variant.
Coding change: c.451G>A on transcript NM_003079.5 (MANE Select); coding-DNA position 451, G replaced by A.
Protein change: p.Ala151Thr; replaces alanine 151 with threonine.
Molecular consequence: missense variant.
Genome position (GRCh38, 1-based): chr17:40,636,021, C>T on the plus strand (G>A on the coding strand, the complement: SMARCE1 is on the minus strand). VCF-style: chr17-40636021-C-T. GRCh37 (hg19) VCF-style: chr17-38792273-C-T.
Other names: short protein forms A151T.
Identifiers: ClinVar variation 3958588 (VCV003958588.1).